The following is an entry in ClinVar:

NM_014855.3(AP5Z1):c.664T>A (p.Phe222Ile)

Gene: AP5Z1 (adaptor related protein complex 5 subunit zeta 1; plus strand). Cytogenetic location: 7p22.1.
Variant type: single nucleotide variant.
Coding change: c.664T>A on transcript NM_014855.3 (MANE Select); coding-DNA position 664, T replaced by A.
Protein change: p.Phe222Ile; replaces phenylalanine 222 with isoleucine.
Molecular consequence: missense variant. On other transcripts: non-coding transcript variant (1).
Genome position (GRCh38, 1-based): chr7:4,784,245, T>A. VCF-style: chr7-4784245-T-A. GRCh37 (hg19) VCF-style: chr7-4823876-T-A.
Other names: c.196T>A, p.Phe66Ile (NM_001364858.1); short protein forms F222I, F66I.
Identifiers: ClinVar variation 1701516 (VCV001701516.31), dbSNP rs1322293814, ClinGen allele CA366660273.

ClinVar aggregate classification (germline): Uncertain significance (1 of 4 stars; one submission).

Allele frequency attached by ClinVar (database versions not stated): gnomAD exomes below 0.00001.
gnomAD v4.1: 6 of 1,552,434 alleles (0.00039%); highest among the groups gnomAD compares: Non-Finnish European, 0.00052%; no homozygotes.

Submission:

CeGaT Center for Human Genetics Tuebingen
Classification: Uncertain significance. Last evaluated: 2022-07-01. Review status: criteria provided, single submitter. Criteria: CeGaT Center For Human Genetics Tuebingen Variant Classification Criteria Version 2. Collection method: clinical testing. Allele origin: germline. Affected: yes. Observed: 1 variant allele.
Comment: AP5Z1: PM2